The following is an entry in ClinVar:

NM_004360.5(CDH1):c.49-3C>T

Gene: CDH1 (cadherin 1; plus strand). Cytogenetic location: 16q22.1.
Variant type: single nucleotide variant.
Coding change: c.49-3C>T on transcript NM_004360.5 (MANE Select); 3 bases into the intron before coding-DNA position 49, C replaced by T.
Molecular consequence: intron variant.
Genome position (GRCh38, 1-based): chr16:68,738,294, C>T. VCF-style: chr16-68738294-C-T. GRCh37 (hg19) VCF-style: chr16-68772197-C-T.
Other names: c.49-3C>T (LRG_301t1, NM_001317184.2); c.-1567-3C>T (NM_001317185.2); c.-1771-3C>T (NM_001317186.2).
Identifiers: ClinVar variation 142294 (VCV000142294.26), dbSNP rs587782366, ClinGen allele CA167975.
Genomic context (GRCh38, chr16:68,738,294, plus strand): 5'-TTTCGGTGAGCAGGAGGGAACCCTCCGAGTCACCCGGTTCCATCTACCTTTCCCCCACCC[C>T]AGGTCTCCTCTTGGCTCTGCCAGGAGCCGGAGCCCTGCCACCCTGGCTTTGACGCCGAGA-3'

ClinVar aggregate classification (germline): Likely benign. Review status: reviewed by expert panel (3 of 4 stars). 8 submissions from 8 submitters: Likely benign (1). 7 of the submissions do not count toward it. Last evaluated 2023-08-17.

Conditions:
CDH1-related diffuse gastric and lobular breast cancer syndrome. Also called: CDH1-related diffuse gastric and lobular breast cancer. Identifiers: MedGen CN311521, MONDO:0100488.
Hereditary cancer-predisposing syndrome. Also called: Neoplastic Syndromes, Hereditary; Hereditary Cancer Syndrome; Hereditary neoplastic syndrome; Tumor predisposition. Identifiers: Orphanet 140162, MedGen C0027672, MeSH D009386, MONDO:0015356.
Hereditary diffuse gastric adenocarcinoma (HDGC). Also called: DIFFUSE GASTRIC AND LOBULAR BREAST CANCER SYNDROME. Identifiers: Orphanet 26106, MedGen C1708349, MONDO:0007648, OMIM 137215.

Allele frequency attached by ClinVar (database versions not stated): gnomAD exomes below 0.00001 and 0.00001; TOPMed 0.00004; gnomAD 0.00006.
gnomAD v4.1: 10 of 1,541,756 alleles (0.00065%); highest among the groups gnomAD compares: African/African-American, 0.011%; no homozygotes.

Submissions (8):

Clingen Gastric Cancer Variant Curation Expert Panel
Classification: Likely benign for CDH1-related diffuse gastric and lobular breast cancer syndrome. Last evaluated: 2023-08-17. Review status: reviewed by expert panel. Criteria: ClinGen CDH1 ACMG Specifications V3.1. Collection method: curation. Allele origin: germline. Inheritance: Autosomal dominant inheritance.
Comment: The c.49-3C>T variant has been observed in at least 10 individuals without DGC, SRC tumours, or LBC & whose families do not suggest HDGC (BS2; SCV000186304.5, SCV000288486.4). There are at least 3 in silico predictors in agreement that this variant does not affect splicing (BP4). In summary, this variant meets criteria to be classified as likely benign. ACMG/AMP criteria applied, as specified by the CDH1 Variant Curation Expert Panel (Variant Interpretation Guidelines Version 3.1): BS2, BP4.

Labcorp Genetics (formerly Invitae), Labcorp
Classification: Likely benign for Hereditary diffuse gastric adenocarcinoma. Last evaluated: 2026-01-28. Review status: criteria provided, single submitter. Criteria: Invitae Variant Classification Sherloc (09022015). Collection method: clinical testing. Allele origin: germline. Not counted in ClinVar's aggregate classification.

Myriad Genetics, Inc.
Classification: Uncertain significance for Hereditary diffuse gastric adenocarcinoma. Last evaluated: 2023-03-06. Review status: criteria provided, single submitter. Criteria: Myriad Autosomal Dominant, Autosomal Recessive and X-Linked Classification Criteria (2023). Collection method: clinical testing. Allele origin: unknown. Not counted in ClinVar's aggregate classification.
Comment: This variant is classified as a variant of uncertain significance as there is insufficient evidence to determine its impact on protein function and/or cancer risk.

Color Diagnostics, LLC DBA Color Health
Classification: Likely benign for Hereditary cancer-predisposing syndrome. Last evaluated: 2023-02-27. Review status: criteria provided, single submitter. Criteria: ACMG Guidelines, 2015. Collection method: clinical testing. Allele origin: germline. Not counted in ClinVar's aggregate classification.

Sema4
Classification: Likely benign for Hereditary cancer-predisposing syndrome. Last evaluated: 2021-11-01. Review status: criteria provided, single submitter. Criteria: Sema4 Curation Guidelines. Collection method: curation. Allele origin: germline. Not counted in ClinVar's aggregate classification.

Ambry Genetics
Classification: Likely benign for Hereditary cancer-predisposing syndrome. Last evaluated: 2019-05-04. Review status: criteria provided, single submitter. Criteria: Ambry Variant Classification Scheme 2023. Collection method: clinical testing. Allele origin: germline. Not counted in ClinVar's aggregate classification.

GeneDx
Classification: Benign. Last evaluated: 2015-07-30. Review status: criteria provided, single submitter. Criteria: GeneDx Variant Classification Process June 2021. Collection method: clinical testing. Allele origin: germline. Affected: yes. Not counted in ClinVar's aggregate classification.

Counsyl
Classification: Uncertain significance for Hereditary diffuse gastric adenocarcinoma. Last evaluated: 2017-11-15. Review status: no assertion criteria provided. Collection method: clinical testing. Allele origin: unknown. Not counted in ClinVar's aggregate classification.